The following is an entry in ClinVar:

ClinVar aggregate classification (germline): Uncertain significance (1 of 4 stars; one submission).

Submission:

GeneDx
Classification: Uncertain significance. Last evaluated: 2025-01-25. Review status: criteria provided, single submitter. Criteria: GeneDx Variant Classification Process June 2021. Collection method: clinical testing. Allele origin: germline. Affected: yes.
Comment: Not observed at significant frequency in large population cohorts (gnomAD); In silico analysis supports that this missense variant has a deleterious effect on protein structure/function; Has not been previously published as pathogenic or benign to our knowledge

NM_001457.4(FLNB):c.3990G>T (p.Arg1330Ser)

Gene: FLNB (filamin B; plus strand). Cytogenetic location: 3p14.3.
Variant type: single nucleotide variant.
Coding change: c.3990G>T on transcript NM_001457.4 (MANE Select); coding-DNA position 3990, G replaced by T.
Protein change: p.Arg1330Ser; replaces arginine 1330 with serine.
Molecular consequence: missense variant.
Genome position (GRCh38, 1-based): chr3:58,125,672, G>T. VCF-style: chr3-58125672-G-T. GRCh37 (hg19) VCF-style: chr3-58111399-G-T.
Other names: c.3990G>T, p.Arg1330Ser (NM_001164317.2, NM_001164318.2, NM_001164319.2); short protein forms R1330S.
Identifiers: ClinVar variation 4071807 (VCV004071807.1).